The following is an entry in ClinVar:

NM_000284.4(PDHA1):c.759+26G>A

Gene: PDHA1 (pyruvate dehydrogenase E1 subunit alpha 1; plus strand). Cytogenetic location: Xp22.12.
Variant type: single nucleotide variant.
Coding change: c.759+26G>A on transcript NM_000284.4 (MANE Select); 26 bases into the intron after coding-DNA position 759, G replaced by A.
Molecular consequence: intron variant.
Genome position (GRCh38, 1-based): chrX:19,355,530, G>A. VCF-style: chrX-19355530-G-A. GRCh37 (hg19) VCF-style: chrX-19373648-G-A.
Other names: c.873+26G>A (NM_001173454.2); c.780+26G>A (NM_001173455.2); c.666+26G>A (NM_001173456.2).
Identifiers: ClinVar variation 533401 (VCV000533401.7), dbSNP rs1555934413, ClinGen allele CA658799594.
Genomic context (GRCh38, chrX:19,355,530, plus strand): 5'-ACTACAAGAGAGGCGATTTCATTCCTGGGCTGAGAGTAAGGACACCTGTGGTGGGGCCGG[G>A]GCCAAGGCCAAGGCCAAGGGTATGTCCTTGTGCAGACCCTTGACGATCTTAGAAACATTG-3'

ClinVar aggregate classification (germline): Uncertain significance. Review status: criteria provided, single submitter (1 of 4 stars). 2 submissions from 2 submitters: Uncertain significance (1). 1 of the submissions does not count toward it. Last evaluated 2017-11-23.

Conditions:
Pyruvate dehydrogenase E1-alpha deficiency (PDHAD). Also called: ATAXIA, INTERMITTENT, WITH PYRUVATE DEHYDROGENASE DEFICIENCY; ATAXIA WITH LACTIC ACIDOSIS I; ATAXIA, INTERMITTENT, WITH ABNORMAL PYRUVATE METABOLISM; Ataxia, intermittent, with pyruvate dehydrogenase, or decarboxylase, deficiency. Identifiers: Orphanet 79243, MedGen C1839413, MONDO:0010717, OMIM 312170.

Submissions (2):

Labcorp Genetics (formerly Invitae), Labcorp
Classification: Uncertain significance for Pyruvate dehydrogenase E1-alpha deficiency. Last evaluated: 2017-11-23. Review status: criteria provided, single submitter. Criteria: Invitae Variant Classification Sherloc (09022015). Collection method: clinical testing. Allele origin: germline.
Comment: In summary, the available evidence is currently insufficient to determine the role of this variant in disease. Therefore, it has been classified as a Variant of Uncertain Significance. This sequence change falls in intron 7 of the PDHA1 gene. It does not directly change the encoded amino acid sequence of the PDHA1 protein. This variant is not present in population databases (ExAC no frequency). This variant has been reported in an individual affected with lactic acidosis (PMID: 12551913). Experimental studies have shown that this intronic change leads to the activation of a cryptic in-frame donor splice site in intron 7 that would result in the inclusion of 15 aberrant amino acids into the PDHA1 protein (PMID: 12551913).

PDHA1 Study Group, University Children’s Hospital, Paracelsus Medical University
Classification: Pathogenic for Pyruvate dehydrogenase E1-alpha deficiency. Last evaluated: 2024-10-15. Review status: no assertion criteria provided. Collection method: research. Allele origin: de novo. Affected: yes. Observed: 2 variant alleles. Not counted in ClinVar's aggregate classification.
Comment: The NM_000284.3:c.759+26G>A (p.?) variant affects splicing in PDHA1 gene. In total, 2 individuals were diagnosed with PDHA1-related Pyruvate dehydrogenase complex (PDHc) deficiency (MIM #312170). Among them, 1 case had confirmed de novo occurrence, and 1 was confirmed inherited. The variant has been reported in 2 published cases (PMIDs: 12551913, 21914562). Last literature search: July 12, 2024. This variant is absent or extremely rare in population-based cohorts in the Genome Aggregation Database (gnomAD). Individuals harboring this variant presented with clinical features compatible with PDHA1-related PDHc deficiency. In summary, this variant meets criteria to be classified as pathogenic (P) for PDHA1-related PDHc deficiency based on the ACMG/AMP criteria applied: PS2, PS3, PM2, PM7, BP4 (last assessment October 15, 2024).

Literature cited by the submitters: PubMed 12551913 (cited by Labcorp Genetics (formerly Invitae), Labcorp and PDHA1 Study Group, University Children’s Hospital, Paracelsus Medical University); PubMed 21914562 (cited by PDHA1 Study Group, University Children’s Hospital, Paracelsus Medical University); DOI 10.1093/brain/awaf430 (cited by PDHA1 Study Group, University Children’s Hospital, Paracelsus Medical University).